The following is an entry in ClinVar:

ClinVar aggregate classification (germline): Uncertain significance (1 of 4 stars; one submission).

Allele frequency attached by ClinVar (database versions not stated): TOPMed below 0.00001.
gnomAD v4.1: 14 of 1,614,000 alleles (0.00087%); highest among the groups gnomAD compares: South Asian, 0.0022%; no homozygotes.

Submission:

Women's Health and Genetics/Laboratory Corporation of America, LabCorp
Classification: Uncertain significance. Last evaluated: 2024-04-12. Review status: criteria provided, single submitter. Criteria: LabCorp Variant Classification Summary - May 2015. Collection method: clinical testing. Allele origin: germline.
Comment: Variant summary: B9D2 c.514G>A (p.Gly172Ser) results in a non-conservative amino acid change in the encoded protein sequence. Four of five in-silico tools predict a damaging effect of the variant on protein function. The variant allele was found at a frequency of 8e-06 in 250706 control chromosomes. The available data on variant occurrences in the general population are insufficient to allow any conclusion about variant significance. To our knowledge, no occurrence of c.514G>A in individuals affected with Joubert Syndrome And Related Disorders and no experimental evidence demonstrating its impact on protein function have been reported. No submitters have cited clinical-significance assessments for this variant to ClinVar. Based on the evidence outlined above, the variant was classified as uncertain significance.

NM_030578.4(B9D2):c.514G>A (p.Gly172Ser)

Gene: B9D2 (B9 domain containing 2; minus strand). Cytogenetic location: 19q13.2.
Variant type: single nucleotide variant.
Coding change: c.514G>A on transcript NM_030578.4 (MANE Select); coding-DNA position 514, G replaced by A.
Protein change: p.Gly172Ser; replaces glycine 172 with serine.
Molecular consequence: missense variant.
Genome position (GRCh38, 1-based): chr19:41,354,714, C>T on the plus strand (G>A on the coding strand, the complement: B9D2 is on the minus strand). VCF-style: chr19-41354714-C-T. GRCh37 (hg19) VCF-style: chr19-41860619-C-T.
Other names: short protein forms G172S.
Identifiers: ClinVar variation 3251307 (VCV003251307.1), dbSNP rs368915262.